The following is an entry in ClinVar:

ClinVar aggregate classification (germline): Pathogenic/Likely pathogenic. Review status: criteria provided, multiple submitters, no conflicts (2 of 4 stars). 3 submissions from 3 submitters: Pathogenic (1); Likely pathogenic (1). 1 of the submissions does not count toward it. Last evaluated 2025-11-11.

Conditions:
GNAT2-related disorder. Also called: GNAT2-related condition.
Achromatopsia 4 (ACHM4). Identifiers: Orphanet 49382, MedGen C1841721, MONDO:0013465, OMIM 613856.

Allele frequency attached by ClinVar (database versions not stated): gnomAD exomes 0.00001.
gnomAD v4.1: 7 of 1,613,684 alleles (0.00043%); highest among the groups gnomAD compares: Middle Eastern, 0.016%; no homozygotes.

Submissions (3):

3billion
Classification: Pathogenic for Achromatopsia 4. Last evaluated: 2025-11-11. Review status: criteria provided, single submitter. Criteria: ACMG Guidelines, 2015. Collection method: clinical testing. Allele origin: germline. Affected: yes.
Comment: The variant is observed at an extremely low frequency in the gnomAD v4.1.0 dataset (total allele frequency: <0.001%). Predicted Consequence/Location: Stop-gained (nonsense): predicted to result in a loss or disruption of normal protein function through nonsense-mediated decay (NMD) or protein truncation. Multiple pathogenic variants are reported downstream of the variant. The variant has been reported to be associated with GNAT2-related disorder (ClinVar ID: VCV000623274 /PMID: 31058429). Therefore, this variant is classified as Pathogenic according to the recommendation of ACMG/AMP guideline.

Blueprint Genetics
Classification: Likely pathogenic for GNAT2-related disorders. Last evaluated: 2018-10-12. Review status: criteria provided, single submitter. Criteria: ACMG Guidelines, 2015. Collection method: clinical testing. Allele origin: germline. Affected: yes. Observed: 2 variant alleles.

Molecular Genetics Laboratory, Institute for Ophthalmic Research
Classification: Pathogenic for Achromatopsia 4. Last evaluated: 2018-06-12. Review status: no assertion criteria provided. Collection method: research. Allele origin: germline. Affected: yes. Not counted in ClinVar's aggregate classification.

Literature cited by the submitters: PubMed 31058429 (cited by 3billion).

NM_001377295.2(GNAT2):c.313C>T (p.Arg105Ter)

Gene: GNAT2 (G protein subunit alpha transducin 2; minus strand). Cytogenetic location: 1p13.3.
Variant type: single nucleotide variant.
Coding change: c.313C>T on transcript NM_001377295.2 (MANE Select); coding-DNA position 313, C replaced by T.
Protein change: p.Arg105Ter; replaces arginine 105 with a stop codon.
Molecular consequence: nonsense.
Genome position (GRCh38, 1-based): chr1:109,608,779, G>A on the plus strand (C>T on the coding strand, the complement: GNAT2 is on the minus strand). VCF-style: chr1-109608779-G-A. GRCh37 (hg19) VCF-style: chr1-110151401-G-A.
Other names: c.313C>T, p.Arg105Ter (NM_001379232.1, NM_005272.5); short protein forms R105*.
Identifiers: ClinVar variation 623274 (VCV000623274.3), dbSNP rs1403825722, ClinGen allele CA341540851.